The following is an entry in ClinVar:

ClinVar aggregate classification (germline): Uncertain significance (1 of 4 stars; one submission).

Allele frequency attached by ClinVar (database versions not stated): gnomAD exomes below 0.00001; ExAC 0.00001.
gnomAD v4.1: 2 of 1,613,872 alleles (0.00012%); highest among the groups gnomAD compares: Admixed American, 0.0017%; no homozygotes.

Submission:

Labcorp Genetics (formerly Invitae), Labcorp
Classification: Uncertain significance. Last evaluated: 2021-10-15. Review status: criteria provided, single submitter. Criteria: Invitae Variant Classification Sherloc (09022015). Collection method: clinical testing. Allele origin: germline.
Comment: In summary, the available evidence is currently insufficient to determine the role of this variant in disease. Therefore, it has been classified as a Variant of Uncertain Significance. Algorithms developed to predict the effect of missense changes on protein structure and function output the following: SIFT: "Tolerated"; PolyPhen-2: "Benign"; Align-GVGD: "Class C0". The tyrosine amino acid residue is found in multiple mammalian species, which suggests that this missense change does not adversely affect protein function. This variant has not been reported in the literature in individuals affected with MSH3-related conditions. This variant is present in population databases (rs757559592, ExAC 0.009%). This sequence change replaces histidine with tyrosine at codon 826 of the MSH3 protein (p.His826Tyr). The histidine residue is moderately conserved and there is a moderate physicochemical difference between histidine and tyrosine.

NM_002439.5(MSH3):c.2476C>T (p.His826Tyr)

Gene: MSH3 (mutS homolog 3; plus strand). Cytogenetic location: 5q14.1.
Variant type: single nucleotide variant.
Coding change: c.2476C>T on transcript NM_002439.5 (MANE Select); coding-DNA position 2476, C replaced by T.
Protein change: p.His826Tyr; replaces histidine 826 with tyrosine.
Molecular consequence: missense variant.
Genome position (GRCh38, 1-based): chr5:80,787,605, C>T. VCF-style: chr5-80787605-C-T. GRCh37 (hg19) VCF-style: chr5-80083424-C-T.
Other names: short protein forms H826Y.
Identifiers: ClinVar variation 1026559 (VCV001026559.6), dbSNP rs757559592, ClinGen allele CA3328268.